The following is an entry in ClinVar:

ClinVar aggregate classification (germline): Uncertain significance (1 of 4 stars; one submission).

Conditions:
Alpha-methylacyl-CoA racemase deficiency (AMACRD). Also called: AMACR deficiency. Identifiers: Orphanet 79095, MedGen C3280428, MONDO:0013681, OMIM 614307. Disease mechanism: loss of function.

Allele frequency attached by ClinVar (database versions not stated): TOPMed below 0.00001.

Submission:

Labcorp Genetics (formerly Invitae), Labcorp
Classification: Uncertain significance for Alpha-methylacyl-CoA racemase deficiency. Last evaluated: 2022-02-10. Review status: criteria provided, single submitter. Criteria: Invitae Variant Classification Sherloc (09022015). Collection method: clinical testing. Allele origin: germline.
Comment: This sequence change replaces valine, which is neutral and non-polar, with isoleucine, which is neutral and non-polar, at codon 132 of the AMACR protein (p.Val132Ile). This variant is not present in population databases (gnomAD no frequency). This variant has not been reported in the literature in individuals affected with AMACR-related conditions. Algorithms developed to predict the effect of missense changes on protein structure and function output the following: SIFT: "Tolerated"; PolyPhen-2: "Benign"; Align-GVGD: "Class C0". The isoleucine amino acid residue is found in multiple mammalian species, which suggests that this missense change does not adversely affect protein function. In summary, the available evidence is currently insufficient to determine the role of this variant in disease. Therefore, it has been classified as a Variant of Uncertain Significance.

NM_014324.6(AMACR):c.394G>A (p.Val132Ile)

Genes: C1QTNF3-AMACR (C1QTNF3-AMACR readthrough (NMD candidate); minus strand), AMACR (alpha-methylacyl-CoA racemase; minus strand). Cytogenetic location: 5p13.2.
Variant type: single nucleotide variant.
Coding change: c.394G>A on transcript NM_014324.6 (MANE Select); coding-DNA position 394, G replaced by A.
Protein change: p.Val132Ile; replaces valine 132 with isoleucine.
Molecular consequence: missense variant. On other transcripts: intron variant (1).
Genome position (GRCh38, 1-based): chr5:34,004,732, C>T on the plus strand (G>A on the coding strand, the complement: AMACR is on the minus strand). VCF-style: chr5-34004732-C-T. GRCh37 (hg19) VCF-style: chr5-34004837-C-T.
Other names: c.394G>A, p.Val132Ile (NM_001167595.2); c.391+1024G>A (NM_203382.3); short protein forms V132I.
Identifiers: ClinVar variation 2145838 (VCV002145838.4), dbSNP rs1753921558, ClinGen allele CA359383512.